The following is an entry in ClinVar:

ClinVar aggregate classification (germline): Uncertain significance (1 of 4 stars; one submission).

Conditions:
Mitochondrial hypertrophic cardiomyopathy with lactic acidosis due to MTO1 deficiency. Also called: CARDIOMYOPATHY, INFANTILE HYPERTROPHIC MITOCHONDRIAL, AND LACTIC ACIDOSIS; Combined oxidative phosphorylation deficiency 10. Identifiers: Orphanet 314637, MedGen C4749921, MONDO:0013865, OMIM 614702.

Allele frequency attached by ClinVar (database versions not stated): gnomAD exomes below 0.00001; gnomAD 0.00001.
gnomAD v4.1: 5 of 1,614,238 alleles (0.00031%); highest among the groups gnomAD compares: East Asian, 0.0067%; no homozygotes.

Submission:

Labcorp Genetics (formerly Invitae), Labcorp
Classification: Uncertain significance for Mitochondrial hypertrophic cardiomyopathy with lactic acidosis due to MTO1 deficiency. Last evaluated: 2021-08-14. Review status: criteria provided, single submitter. Criteria: Invitae Variant Classification Sherloc (09022015). Collection method: clinical testing. Allele origin: germline.
Comment: This sequence change replaces proline with alanine at codon 21 of the MTO1 protein (p.Pro21Ala). The proline residue is weakly conserved and there is a small physicochemical difference between proline and alanine. This variant is not present in population databases (ExAC no frequency). This variant has not been reported in the literature in individuals affected with MTO1-related conditions. Algorithms developed to predict the effect of missense changes on protein structure and function output the following: SIFT: "Tolerated"; PolyPhen-2: "Benign"; Align-GVGD: "Class C0". The alanine amino acid residue is found in multiple mammalian species, which suggests that this missense change does not adversely affect protein function. In summary, the available evidence is currently insufficient to determine the role of this variant in disease. Therefore, it has been classified as a Variant of Uncertain Significance.

NM_012123.4(MTO1):c.61C>G (p.Pro21Ala)

Gene: MTO1 (mitochondrial tRNA translation optimization 1; plus strand). Cytogenetic location: 6q13.
Variant type: single nucleotide variant.
Coding change: c.61C>G on transcript NM_012123.4 (MANE Select); coding-DNA position 61, C replaced by G.
Protein change: p.Pro21Ala; replaces proline 21 with alanine.
Molecular consequence: missense variant.
Genome position (GRCh38, 1-based): chr6:73,461,915, C>G. VCF-style: chr6-73461915-C-G. GRCh37 (hg19) VCF-style: chr6-74171638-C-G.
Other names: c.61C>G, p.Pro21Ala (NM_001123226.2, NM_133645.3); short protein forms P21A.
Identifiers: ClinVar variation 1490326 (VCV001490326.5), dbSNP rs753873871, ClinGen allele CA364711819.